The following is an entry in ClinVar:

ClinVar aggregate classification (germline): Likely pathogenic (1 of 4 stars; one submission).

Conditions:
Agenesis of the corpus callosum with peripheral neuropathy (ACCPN). Also called: CHARLEVOIX DISEASE; POLYNEUROPATHY, SENSORIMOTOR, WITH OR WITHOUT AGENESIS OF THE CORPUS CALLOSUM; HMSN/ACC; Hereditary Motor and Sensory Neuropathy with Agenesis of the Corpus Callosum. Identifiers: Orphanet 1496, MedGen C0795950, MONDO:0000902, OMIM 218000. Disease mechanism: loss of function.

Submission:

Myriad Genetics, Inc.
Classification: Likely pathogenic for Agenesis of the corpus callosum with peripheral neuropathy. Last evaluated: 2022-03-15. Review status: criteria provided, single submitter. Criteria: Myriad Women's Health Autosomal Recessive and X-Linked Classification Criteria (2021). Collection method: clinical testing. Allele origin: unknown.
Comment: NM_133647.1(SLC12A6):c.2700delC(S901Afs*30) is expected to be pathogenic in the context of Andermann syndrome. This variant is predicted to lead to an abnormal or absent protein product due to the creation of a premature termination codon in SLC12A6, a gene where loss-of-function variants are known to be pathogenic. Please note: this variant was assessed in the context of healthy population screening.

NM_001365088.1(SLC12A6):c.2700del (p.Ser901fs)

Gene: SLC12A6 (solute carrier family 12 member 6; minus strand). Cytogenetic location: 15q14.
Variant type: Deletion.
Coding change: c.2700del on transcript NM_001365088.1 (MANE Select); coding-DNA position 2700, one base deleted (C; older notation c.2700delC).
Protein change: p.Ser901fs; shifts the reading frame from serine 901.
Molecular consequence: frameshift variant.
Genome position (GRCh38, 1-based): chr15:34,238,334, G deleted on the plus strand (C on the coding strand, the reverse complement: SLC12A6 is on the minus strand); the first of 3 consecutive G bases (chr15:34,238,334-34,238,336); deleting any one gives the same sequence. VCF-style (leftmost placement, unchanged base first): chr15-34238333-TG-T. GRCh37 (hg19) VCF-style: chr15-34530534-TG-T.
Other names: c.2523del, p.Ser842fs (NM_001042494.2, NM_001042495.2); c.2673del, p.Ser892fs (NM_001042496.2); c.2655del, p.Ser886fs (NM_001042497.2); c.2547del, p.Ser850fs (NM_005135.2); c.2700del, p.Ser901fs (NM_133647.2); short protein forms S842fs, S850fs, S886fs, S892fs, S901fs.
Identifiers: ClinVar variation 1725320 (VCV001725320.2), dbSNP rs2509753342, ClinGen allele CA2580089275.